The following is an entry in ClinVar:

ClinVar aggregate classification (germline): Uncertain significance. Review status: criteria provided, multiple submitters, no conflicts (2 of 4 stars). 2 submissions from 2 submitters: Uncertain significance (2). Last evaluated 2023-12-14.

Conditions:
Inborn genetic diseases. Identifiers: MedGen C0950123, MeSH D030342.
Primary ciliary dyskinesia 33. Also called: CILIARY DYSKINESIA, PRIMARY, 33, WITHOUT SITUS INVERSUS. Identifiers: Orphanet 244, MedGen C4225230, MONDO:0014750, OMIM 616726.

Allele frequency attached by ClinVar (database versions not stated): gnomAD 0.00001; gnomAD exomes 0.00001 and 0.00002; TOPMed 0.00001; ExAC 0.00003.
gnomAD v4.1: 21 of 1,612,252 alleles (0.0013%); highest among the groups gnomAD compares: South Asian, 0.0099%; no homozygotes.

Submissions (2):

Ambry Genetics
Classification: Uncertain significance for Inborn genetic diseases. Last evaluated: 2023-12-14. Review status: criteria provided, single submitter. Criteria: Ambry Variant Classification Scheme 2023. Collection method: clinical testing. Allele origin: germline.

Labcorp Genetics (formerly Invitae), Labcorp
Classification: Uncertain significance for Primary ciliary dyskinesia 33. Last evaluated: 2023-10-14. Review status: criteria provided, single submitter. Criteria: Invitae Variant Classification Sherloc (09022015). Collection method: clinical testing. Allele origin: germline.
Comment: This sequence change replaces glycine, which is neutral and non-polar, with aspartic acid, which is acidic and polar, at codon 467 of the GAS8 protein (p.Gly467Asp). This variant is present in population databases (rs776628562, gnomAD 0.01%). This variant has not been reported in the literature in individuals affected with GAS8-related conditions. ClinVar contains an entry for this variant (Variation ID: 955241). An algorithm developed to predict the effect of missense changes on protein structure and function (PolyPhen-2) suggests that this variant is likely to be tolerated. In summary, the available evidence is currently insufficient to determine the role of this variant in disease. Therefore, it has been classified as a Variant of Uncertain Significance.

NM_001481.3(DRC4):c.1400G>A (p.Gly467Asp)

Gene: DRC4 (dynein regulatory complex subunit 4; plus strand). Cytogenetic location: 16q24.3.
Variant type: single nucleotide variant.
Coding change: c.1400G>A on transcript NM_001481.3 (MANE Select); coding-DNA position 1400, G replaced by A.
Protein change: p.Gly467Asp; replaces glycine 467 with aspartic acid.
Molecular consequence: missense variant. On other transcripts: non-coding transcript variant (1).
Genome position (GRCh38, 1-based): chr16:90,043,308, G>A. VCF-style: chr16-90043308-G-A. GRCh37 (hg19) VCF-style: chr16-90109716-G-A.
Other names: c.1151G>A, p.Gly384Asp (NM_001286205.2); c.824G>A, p.Gly275Asp (NM_001286208.2); c.1325G>A, p.Gly442Asp (NM_001286209.2); short protein forms G384D, G275D, G467D, G442D.
Identifiers: ClinVar variation 955241 (VCV000955241.10), dbSNP rs776628562, ClinGen allele CA8258260.